The following is an entry in ClinVar:

NM_001267550.2(TTN):c.76803G>A (p.Thr25601=)

Genes: TTN (titin; minus strand), TTN-AS1 (TTN antisense RNA 1; plus strand). Cytogenetic location: 2q31.2.
Variant type: single nucleotide variant.
Coding change: c.76803G>A on transcript NM_001267550.2 (MANE Select); coding-DNA position 76803, G replaced by A.
Protein change: p.Thr25601=; no amino-acid change (threonine 25601 retained).
Molecular consequence: synonymous variant.
Genome position (GRCh38, 1-based): chr2:178,569,329, C>T on the plus strand (G>A on the coding strand, the complement: TTN is on the minus strand). VCF-style: chr2-178569329-C-T. GRCh37 (hg19) VCF-style: chr2-179434056-C-T.
Other names: c.71880G>A, p.Thr23960= (NM_001256850.1); c.49608G>A, p.Thr16536= (NM_003319.4); c.69099G>A, p.Thr23033= (NM_133378.4); c.49983G>A, p.Thr16661= (NM_133432.3); c.50184G>A, p.Thr16728= (NM_133437.4).
Identifiers: ClinVar variation 516833 (VCV000516833.20), dbSNP rs751627427, ClinGen allele CA1989856.
Genomic context (GRCh38, chr2:178,569,329, plus strand): 5'-TGTAATTGATACTGAGTCTTTGGTGATTTCTGTGACTTTCAGGTTAACAGGTGGACTTGG[C>T]GTGTCCAGAACTCTCACAGTAACAAAGGCAGACTTTGTTCCACTGCTGTTTTCTAATGTA-3'
Protein context (NP_001254479.2, residues 25591-25611): SAFVTVRVLD[Thr25601=]PSPPVNLKVT

ClinVar aggregate classification (germline): Benign/Likely benign. Review status: criteria provided, multiple submitters, no conflicts (2 of 4 stars). 9 submissions from 6 submitters: Benign (5); Likely benign (3). 1 of the submissions does not count toward it. Last evaluated 2025-12-24.

Conditions:
Autosomal recessive limb-girdle muscular dystrophy type 2J (LGMDR10). Also called: Limb-girdle muscular dystrophy, type 2J; MUSCULAR DYSTROPHY, LIMB-GIRDLE, AUTOSOMAL RECESSIVE 10. Identifiers: Orphanet 140922, MedGen C1837342, MONDO:0012127, OMIM 608807.
Dilated cardiomyopathy 1G (CMD1G). Identifiers: Orphanet 154, MedGen C1858763, MONDO:0011400, OMIM 604145.
Cardiovascular phenotype. Identifiers: MedGen CN230736.
TTN-related disorder. Also called: TTN-related condition; TTN-related disease; TTN-related disorders.
Early-onset myopathy with fatal cardiomyopathy (CMYO5). Also called: Salih Myopathy; CONGENITAL MYOPATHY 5 WITH CARDIOMYOPATHY. Identifiers: Orphanet 289377, MedGen C2673677, MONDO:0012714, OMIM 611705. Disease mechanism: loss of function.
Myopathy, myofibrillar, 9, with early respiratory failure (MFM9). Also called: Hereditary myopathy with early respiratory failure; Myopathy, distal, with early respiratory failure, autosomal dominant; EDSTROM MYOPATHY; MYOPATHY, PROXIMAL, WITH EARLY RESPIRATORY MUSCLE INVOLVEMENT. Identifiers: Orphanet 178464, Orphanet 34521, MedGen C1863599, MONDO:0011362, OMIM 603689.
Tibial muscular dystrophy (TMD). Also called: UDD MYOPATHY; Udd Distal Myopathy – Tibial Muscular Dystrophy; Tibial muscular dystrophy, tardive. Identifiers: Orphanet 609, MedGen C1838244, MONDO:0010870, OMIM 600334.

Allele frequency attached by ClinVar (database versions not stated): TOPMed 0.00002.
gnomAD v4.1: 17 of 1,612,990 alleles (0.0011%); highest among the groups gnomAD compares: Admixed American, 0.015%; no homozygotes.

Submissions (9):

Labcorp Genetics (formerly Invitae), Labcorp
Classification: Likely benign for Dilated cardiomyopathy 1G; Autosomal recessive limb-girdle muscular dystrophy type 2J. Last evaluated: 2025-12-24. Review status: criteria provided, single submitter. Criteria: Invitae Variant Classification Sherloc (09022015). Collection method: clinical testing. Allele origin: germline.

Ambry Genetics
Classification: Likely benign for Cardiovascular phenotype. Last evaluated: 2025-07-06. Review status: criteria provided, single submitter. Criteria: Ambry Variant Classification Scheme 2023. Collection method: clinical testing. Allele origin: germline.

Blueprint Genetics
Classification: Likely benign. Last evaluated: 2024-09-05. Review status: criteria provided, single submitter. Criteria: ACMG Guidelines, 2015. Collection method: clinical testing. Allele origin: germline.

Genome-Nilou Lab
Classification: Benign for Autosomal recessive limb-girdle muscular dystrophy type 2J. Last evaluated: 2021-09-10. Review status: criteria provided, single submitter. Criteria: ACMG Guidelines, 2015. Collection method: clinical testing. Allele origin: germline. Affected: no.

Genome-Nilou Lab
Classification: Benign for Myopathy, myofibrillar, 9, with early respiratory failure. Last evaluated: 2021-09-10. Review status: criteria provided, single submitter. Criteria: ACMG Guidelines, 2015. Collection method: clinical testing. Allele origin: germline. Affected: no.

Genome-Nilou Lab
Classification: Benign for Early-onset myopathy with fatal cardiomyopathy. Last evaluated: 2021-09-10. Review status: criteria provided, single submitter. Criteria: ACMG Guidelines, 2015. Collection method: clinical testing. Allele origin: germline. Affected: no.

Genome-Nilou Lab
Classification: Benign for Tibial muscular dystrophy. Last evaluated: 2021-09-10. Review status: criteria provided, single submitter. Criteria: ACMG Guidelines, 2015. Collection method: clinical testing. Allele origin: germline. Affected: no.

GeneDx
Classification: Benign. Last evaluated: 2016-07-27. Review status: criteria provided, single submitter. Criteria: GeneDx Variant Classification (06012015). Collection method: clinical testing. Allele origin: germline. Affected: yes.
Comment: This variant is considered likely benign or benign based on one or more of the following criteria: it is a conservative change, it occurs at a poorly conserved position in the protein, it is predicted to be benign by multiple in silico algorithms, and/or has population frequency not consistent with disease.

PreventionGenetics, part of Exact Sciences
Classification: Likely benign for TTN-related condition. Last evaluated: 2023-12-15. Review status: no assertion criteria provided. Collection method: clinical testing. Allele origin: germline. Not counted in ClinVar's aggregate classification.
Comment: This variant is classified as likely benign based on ACMG/AMP sequence variant interpretation guidelines (Richards et al. 2015 PMID: 25741868, with internal and published modifications).